The following is an entry in ClinVar:

NM_020964.3(EPG5):c.1401A>T (p.Leu467=)

Gene: EPG5 (ectopic P-granules 5 autophagy tethering factor; minus strand). Cytogenetic location: 18q21.1.
Variant type: single nucleotide variant.
Coding change: c.1401A>T on transcript NM_020964.3 (MANE Select); coding-DNA position 1401, A replaced by T.
Protein change: p.Leu467=; no amino-acid change (leucine 467 retained).
Molecular consequence: synonymous variant.
Genome position (GRCh38, 1-based): chr18:45,949,580, T>A on the plus strand (A>T on the coding strand, the complement: EPG5 is on the minus strand). VCF-style: chr18-45949580-T-A. GRCh37 (hg19) VCF-style: chr18-43529546-T-A.
Other names: c.1401A>T, p.Leu467= (NM_001410858.1, NM_001410859.1).
Identifiers: ClinVar variation 5039739 (VCV005039739.1).

ClinVar aggregate classification (germline): Likely benign (1 of 4 stars; one submission).

gnomAD v4.1: 1 of 1,607,924 alleles (0.000062%); highest among the groups gnomAD compares: Non-Finnish European, 0.000085%; no homozygotes.

Submission:

CeGaT Center for Human Genetics Tuebingen
Classification: Likely benign. Last evaluated: 2026-08-01. Review status: criteria provided, single submitter. Criteria: CeGaT Center For Human Genetics Tuebingen Variant Classification Criteria Version 2. Collection method: clinical testing. Allele origin: germline. Affected: yes. Observed: 1 variant allele.
Comment: EPG5: BP4, BP7